The following is an entry in ClinVar:

NM_133497.4(KCNV2):c.1129C>G (p.Arg377Gly)

Gene: KCNV2 (potassium voltage-gated channel modifier subfamily V member 2; plus strand). Cytogenetic location: 9p24.2.
Variant type: single nucleotide variant.
Coding change: c.1129C>G on transcript NM_133497.4 (MANE Select); coding-DNA position 1129, C replaced by G.
Protein change: p.Arg377Gly; replaces arginine 377 with glycine.
Molecular consequence: missense variant.
Genome position (GRCh38, 1-based): chr9:2,718,868, C>G. VCF-style: chr9-2718868-C-G. GRCh37 (hg19) VCF-style: chr9-2718868-C-G.
Other names: short protein forms R377G.
Identifiers: ClinVar variation 1910779 (VCV001910779.6), dbSNP rs143664586, ClinGen allele CA4965775.

ClinVar aggregate classification (germline): Uncertain significance. Review status: criteria provided, multiple submitters, no conflicts (2 of 4 stars). 2 submissions from 2 submitters: Uncertain significance (2). Last evaluated 2024-10-17.

Submissions (2):

Blueprint Genetics
Classification: Uncertain significance. Last evaluated: 2024-10-17. Review status: criteria provided, single submitter. Criteria: ACMG Guidelines, 2015. Collection method: clinical testing. Allele origin: germline.

Labcorp Genetics (formerly Invitae), Labcorp
Classification: Uncertain significance. Last evaluated: 2022-07-23. Review status: criteria provided, single submitter. Criteria: Invitae Variant Classification Sherloc (09022015). Collection method: clinical testing. Allele origin: germline.
Comment: In summary, the available evidence is currently insufficient to determine the role of this variant in disease. Therefore, it has been classified as a Variant of Uncertain Significance. Advanced modeling of protein sequence and biophysical properties (such as structural, functional, and spatial information, amino acid conservation, physicochemical variation, residue mobility, and thermodynamic stability) performed at Invitae indicates that this missense variant is expected to disrupt KCNV2 protein function. This variant has not been reported in the literature in individuals affected with KCNV2-related conditions. This variant is present in population databases (rs143664586, gnomAD 0.002%). This sequence change replaces arginine, which is basic and polar, with glycine, which is neutral and non-polar, at codon 377 of the KCNV2 protein (p.Arg377Gly).